The following is an entry in ClinVar:

NM_018451.5(CPAP):c.3893G>A (p.Arg1298Gln)

Genes: CPAP (centrosome assembly and centriole elongation protein; minus strand), RNF17 (ring finger protein 17; plus strand). Cytogenetic location: 13q12.12.
Variant type: single nucleotide variant.
Coding change: c.3893G>A on transcript NM_018451.5 (MANE Select); coding-DNA position 3893, G replaced by A.
Protein change: p.Arg1298Gln; replaces arginine 1298 with glutamine.
Molecular consequence: missense variant. On other transcripts: non-coding transcript variant (2).
Genome position (GRCh38, 1-based): chr13:24,883,301, C>T on the plus strand (G>A on the coding strand, the complement: CPAP is on the minus strand). VCF-style: chr13-24883301-C-T. GRCh37 (hg19) VCF-style: chr13-25457439-C-T.
Other names: short protein forms R1298Q.
Identifiers: ClinVar variation 522642 (VCV000522642.6), dbSNP rs1477524771, ClinGen allele CA387594698.

ClinVar aggregate classification (germline): Likely pathogenic. Review status: criteria provided, multiple submitters, no conflicts (2 of 4 stars). 3 submissions from 3 submitters: Likely pathogenic (2). 1 of the submissions does not count toward it. Last evaluated 2025-06-03.

Conditions:
Microcephaly 6, primary, autosomal recessive. Identifiers: Orphanet 2512, MedGen C1842109, MONDO:0012029, OMIM 608393.

Allele frequency attached by ClinVar (database versions not stated): gnomAD exomes 0.00001 and below 0.00001.
gnomAD v4.1: 5 of 1,613,772 alleles (0.00031%); highest among the groups gnomAD compares: East Asian, 0.0045%; no homozygotes.

Submissions (3):

3billion
Classification: Likely pathogenic for Microcephaly 6, primary, autosomal recessive. Last evaluated: 2025-06-03. Review status: criteria provided, single submitter. Criteria: ACMG Guidelines, 2015. Collection method: clinical testing. Allele origin: germline. Affected: yes.
Comment: The variant is observed at an extremely low frequency in the gnomAD v4.1.0 dataset (total allele frequency: <0.001%). Predicted Consequence/Location: Missense variant. The majority of the known disease-causing variants of this gene are variants expected to result in premature termination of the protein. In silico tool predictions suggest damaging effect of the variant on gene or gene product [REVEL: 0.76 (>=0.6, sensitivity 0.68 and specificity 0.92); 3Cnet: 0.75 (> 0.75, sensitivity 0.96 and precision 0.92)]. The same nucleotide change resulting in the same amino acid change has been previously reported as pathogenic/likely pathogenic with strong evidence (ClinVar ID: VCV000522642 /PMID: 31589614). Therefore, this variant is classified as Likely pathogenic according to the recommendation of ACMG/AMP guideline.

Genomic Research Center, Shahid Beheshti University of Medical Sciences
Classification: Likely pathogenic for Primary autosomal recessive microcephaly 6. Last evaluated: 2020-05-03. Review status: criteria provided, single submitter. Criteria: ACMG Guidelines, 2015. Collection method: clinical testing. Allele origin: unknown. Affected: yes.

Service de Génétique Moléculaire, Hôpital Robert Debré
Classification: Likely pathogenic for Microcephaly 6, primary, autosomal recessive. Review status: no assertion criteria provided. Collection method: clinical testing. Allele origin: unknown. Affected: yes. Not counted in ClinVar's aggregate classification.

Literature cited by the submitters: PubMed 31589614 (cited by 3billion).